The following is an entry in ClinVar:

ClinVar aggregate classification (germline): Uncertain significance. Review status: criteria provided, multiple submitters, no conflicts (2 of 4 stars). 3 submissions from 3 submitters: Uncertain significance (3). Last evaluated 2024-03-15.

Conditions:
Inborn genetic diseases. Identifiers: MedGen C0950123, MeSH D030342.

Allele frequency attached by ClinVar (database versions not stated): gnomAD exomes 0.00002; ExAC 0.00003; 1000 Genomes Project 0.00020; gnomAD 0.00020; TOPMed 0.00021; ESP Exome Variant Server 0.00023; 1000 Genomes Project 30x 0.00031.
gnomAD v4.1: 55 of 1,596,188 alleles (0.0034%); highest among the groups gnomAD compares: African/African-American, 0.066%; no homozygotes.

Submissions (3):

Ambry Genetics
Classification: Uncertain significance for Inborn genetic diseases. Last evaluated: 2024-03-15. Review status: criteria provided, single submitter. Criteria: Ambry Variant Classification Scheme 2023. Collection method: clinical testing. Allele origin: germline.

GeneDx
Classification: Uncertain significance. Last evaluated: 2023-08-15. Review status: criteria provided, single submitter. Criteria: GeneDx Variant Classification Process June 2021. Collection method: clinical testing. Allele origin: germline. Affected: yes.
Comment: In silico analysis supports that this missense variant does not alter protein structure/function; Has not been previously published as pathogenic or benign to our knowledge

Athena Diagnostics
Classification: Uncertain significance. Last evaluated: 2022-01-28. Review status: criteria provided, single submitter. Criteria: Athena Diagnostics Criteria. Collection method: clinical testing. Allele origin: unknown.

NM_001009944.3(PKD1):c.2032G>A (p.Ala678Thr)

Gene: PKD1 (polycystin 1, transient receptor potential channel interacting; minus strand). Cytogenetic location: 16p13.3.
Variant type: single nucleotide variant.
Coding change: c.2032G>A on transcript NM_001009944.3 (MANE Select); coding-DNA position 2032, G replaced by A.
Protein change: p.Ala678Thr; replaces alanine 678 with threonine.
Molecular consequence: missense variant.
Genome position (GRCh38, 1-based): chr16:2,115,443, C>T on the plus strand (G>A on the coding strand, the complement: PKD1 is on the minus strand). VCF-style: chr16-2115443-C-T. GRCh37 (hg19) VCF-style: chr16-2165444-C-T.
Other names: c.2032G>A, p.Ala678Thr (NM_000296.4); short protein forms A678T.
Identifiers: ClinVar variation 1807315 (VCV001807315.3), dbSNP rs377664718, ClinGen allele CA7833305.
Genomic context (GRCh38, chr16:2,115,443, plus strand): 5'-ACTGCGCGGGGGGCCCCGCGGGAACGGAGAAGAGGAACTCTCTCCATAGCGCATAGGGGG[C>T]CCCGGGTAGCCCTGGCCCTGACGTGCAGCCATTGGCGCAGGCCTGGGGGTGGCAGGAGGC-3'
Protein context (NP_001009944.3, residues 668-688): GCTSGPGLPG[Ala678Thr]PYALWREFLF